The following is an entry in ClinVar:

NM_001042492.3(NF1):c.5269G>A (p.Val1757Ile)

Gene: NF1 (neurofibromin 1; plus strand). Cytogenetic location: 17q11.2.
Variant type: single nucleotide variant.
Coding change: c.5269G>A on transcript NM_001042492.3 (MANE Select); coding-DNA position 5269, G replaced by A.
Protein change: p.Val1757Ile; replaces valine 1757 with isoleucine.
Molecular consequence: missense variant.
Genome position (GRCh38, 1-based): chr17:31,327,499, G>A. VCF-style: chr17-31327499-G-A. GRCh37 (hg19) VCF-style: chr17-29654517-G-A.
Other names: c.5206G>A, p.Val1736Ile (NM_000267.4); short protein forms V1736I, V1757I.
Identifiers: ClinVar variation 3237822 (VCV003237822.2), dbSNP rs2151540762.

ClinVar aggregate classification (germline): Uncertain significance (1 of 4 stars; one submission).

Conditions:
Cardiovascular phenotype. Identifiers: MedGen CN230736.
Hereditary cancer-predisposing syndrome. Also called: Neoplastic Syndromes, Hereditary; Tumor predisposition; Hereditary Cancer Syndrome; Hereditary neoplastic syndrome. Identifiers: Orphanet 140162, MedGen C0027672, MeSH D009386, MONDO:0015356.

Submission:

Ambry Genetics
Classification: Uncertain significance for Cardiovascular phenotype; Hereditary cancer-predisposing syndrome. Last evaluated: 2026-07-08. Review status: criteria provided, single submitter. Criteria: Ambry Variant Classification Scheme 2023. Collection method: clinical testing. Allele origin: germline.
Comment: The p.V1736I variant (also known as c.5206G>A) is located in coding exon 37 of the NF1 gene. The valine at codon 1736 is replaced by isoleucine, an amino acid with highly similar properties. This change occurs in the first base pair of coding exon 37. This amino acid position is highly conserved in available vertebrate species. In addition, this alteration is predicted to be tolerated by in silico analysis. Based on the available evidence, the clinical significance of this variant remains unclear.